The following is an entry in ClinVar:

ClinVar aggregate classification (germline): Pathogenic (1 of 4 stars; one submission).

Conditions:
Familial adenomatous polyposis 1 (FAP1). Also called: FAMILIAL ADENOMATOUS POLYPOSIS 1, ATTENUATED; POLYPOSIS, ADENOMATOUS INTESTINAL. Identifiers: MedGen C2713442, MONDO:0021056, OMIM 175100. Disease mechanism: loss of function.

Submission:

Labcorp Genetics (formerly Invitae), Labcorp
Classification: Pathogenic for Familial adenomatous polyposis 1. Last evaluated: 2022-01-28. Review status: criteria provided, single submitter. Criteria: Invitae Variant Classification Sherloc (09022015). Collection method: clinical testing. Allele origin: germline.
Comment: For these reasons, this variant has been classified as Pathogenic. This variant has not been reported in the literature in individuals affected with APC-related conditions. This variant is a gross deletion of the genomic region encompassing exon(s) 9-10 of the APC gene. This deletion is out-of-frame, and is expected to create a premature termination codon and result in an absent or disrupted protein product. Loss-of-function variants in APC are known to be pathogenic (PMID: 17963004, 20685668).

Literature cited by the submitters: PubMed 17963004; PubMed 20685668.

NC_000005.9:g.(?_112151175)_(112155051_?)del

Gene: APC (APC regulator of Wnt signaling pathway; plus strand). Cytogenetic location: 5q22.2.
Variant type: Deletion.
Identifiers: ClinVar variation 1075210 (VCV001075210.46).